The following is an entry in ClinVar:

ClinVar aggregate classification (germline): Benign. Review status: criteria provided, multiple submitters, no conflicts (2 of 4 stars). 6 submissions from 6 submitters: Benign (6). Last evaluated 2025-06-24.

Conditions:
Monogenic diabetes. Identifiers: Orphanet 183625, MedGen C3888631, MONDO:0015967.
Maturity-onset diabetes of the young type 8 (MODY8). Also called: DIABETES-PANCREATIC EXOCRINE DYSFUNCTION SYNDROME; DIABETES AND PANCREATIC EXOCRINE DYSFUNCTION. Identifiers: Orphanet 552, MedGen C1853297, MONDO:0012348, OMIM 609812.

Allele frequency attached by ClinVar (database versions not stated): gnomAD exomes 0.00438; ExAC 0.00508; gnomAD 0.01599 and 0.01720; ESP Exome Variant Server 0.01629; 1000 Genomes Project 0.01717; 1000 Genomes Project 30x 0.01780; TOPMed 0.01864.
gnomAD v4.1: 5,128 of 1,612,998 alleles (0.32%); highest among the groups gnomAD compares: African/African-American, 5.3%; 132 homozygotes.

Submissions (6):

ARUP Laboratories, Molecular Genetics and Genomics, ARUP Laboratories
Classification: Benign for Maturity-onset diabetes of the young type 8. Last evaluated: 2025-06-24. Review status: criteria provided, single submitter. Criteria: ARUP Molecular Germline Variant Investigation Process 2024. Collection method: clinical testing. Allele origin: germline.

Personalized Diabetes Medicine Program, University of Maryland School of Medicine
Classification: Benign for Monogenic diabetes. Last evaluated: 2018-11-09. Review status: criteria provided, single submitter. Criteria: ACMG Guidelines, 2015. Collection method: research. Allele origin: unknown. Observed: 12 variant alleles, 12 heterozygotes.
Comment: ACMG criteria: BS2 (185 controls and 185 cases in T2DM), BA1 (5% in gnomAD African)= benign (REVEL 0.479 + BP4/4 predictors +PP3/6 predictors= conflicting evidence, not using)

GeneDx
Classification: Benign. Last evaluated: 2018-07-09. Review status: criteria provided, single submitter. Criteria: GeneDx Variant Classification Process June 2021. Collection method: clinical testing. Allele origin: germline. Affected: yes.
Comment: This variant is associated with the following publications: (PMID: 32041611)

Labcorp Genetics (formerly Invitae), Labcorp
Classification: Benign. Last evaluated: 2017-12-11. Review status: criteria provided, single submitter. Criteria: Invitae Variant Classification Sherloc (09022015). Collection method: clinical testing. Allele origin: germline.

Genetic Services Laboratory, University of Chicago
Classification: Benign for AllHighlyPenetrant. Last evaluated: 2013-03-05. Review status: criteria provided, single submitter. Criteria: ACMG Guidelines, 2007. Collection method: clinical testing. Allele origin: germline. Inheritance: Autosomal dominant inheritance.

Breakthrough Genomics
Classification: Benign. Review status: criteria provided, single submitter. Criteria: ACMG Guidelines, 2015. Collection method: not provided. Allele origin: germline. Inheritance: Autosomal dominant inheritance. Affected: yes.

NM_001807.6(CEL):c.353T>G (p.Leu118Arg)

Gene: CEL (carboxyl ester lipase; plus strand). Cytogenetic location: 9q34.13.
Variant type: single nucleotide variant.
Coding change: c.353T>G on transcript NM_001807.6 (MANE Select); coding-DNA position 353, T replaced by G.
Protein change: p.Leu118Arg; replaces leucine 118 with arginine.
Molecular consequence: missense variant.
Genome position (GRCh38, 1-based): chr9:133,065,052, T>G. VCF-style: chr9-133065052-T-G. GRCh37 (hg19) VCF-style: chr9-135940439-T-G.
Other names: short protein forms L118R.
Identifiers: ClinVar variation 128684 (VCV000128684.17), dbSNP rs113056079, ClinGen allele CA152284.